The following is an entry in ClinVar:

ClinVar aggregate classification (germline): Uncertain significance. Review status: criteria provided, multiple submitters, no conflicts (2 of 4 stars). 2 submissions from 2 submitters: Uncertain significance (2). Last evaluated 2024-11-02.

Conditions:
Hereditary nonpolyposis colorectal neoplasms. Identifiers: MedGen C0009405, MeSH D003123.
Hereditary cancer-predisposing syndrome. Also called: Hereditary Cancer Syndrome; Hereditary neoplastic syndrome; Neoplastic Syndromes, Hereditary; Tumor predisposition. Identifiers: Orphanet 140162, MedGen C0027672, MeSH D009386, MONDO:0015356.

Submissions (2):

Labcorp Genetics (formerly Invitae), Labcorp
Classification: Uncertain significance for Hereditary nonpolyposis colorectal neoplasms. Last evaluated: 2024-11-02. Review status: criteria provided, single submitter. Criteria: Invitae Variant Classification Sherloc (09022015). Collection method: clinical testing. Allele origin: germline.
Comment: This sequence change replaces glutamic acid, which is acidic and polar, with glycine, which is neutral and non-polar, at codon 446 of the MSH6 protein (p.Glu446Gly). This variant is not present in population databases (gnomAD no frequency). This variant has not been reported in the literature in individuals affected with MSH6-related conditions. ClinVar contains an entry for this variant (Variation ID: 1770261). Invitae Evidence Modeling of protein sequence and biophysical properties (such as structural, functional, and spatial information, amino acid conservation, physicochemical variation, residue mobility, and thermodynamic stability) has been performed for this missense variant. However, the output from this modeling did not meet the statistical confidence thresholds required to predict the impact of this variant on MSH6 protein function. In summary, the available evidence is currently insufficient to determine the role of this variant in disease. Therefore, it has been classified as a Variant of Uncertain Significance.

Ambry Genetics
Classification: Uncertain significance for Hereditary cancer-predisposing syndrome. Last evaluated: 2022-01-24. Review status: criteria provided, single submitter. Criteria: Ambry Variant Classification Scheme 2023. Collection method: clinical testing. Allele origin: germline.
Comment: The p.E446G variant (also known as c.1337A>G), located in coding exon 4 of the MSH6 gene, results from an A to G substitution at nucleotide position 1337. The glutamic acid at codon 446 is replaced by glycine, an amino acid with similar properties. This amino acid position is highly conserved in available vertebrate species. In addition, this alteration is predicted to be deleterious by in silico analysis. Since supporting evidence is limited at this time, the clinical significance of this alteration remains unclear.

NM_000179.3(MSH6):c.1337A>G (p.Glu446Gly)

Gene: MSH6 (mutS homolog 6; plus strand). Cytogenetic location: 2p16.3.
Variant type: single nucleotide variant.
Coding change: c.1337A>G on transcript NM_000179.3 (MANE Select); coding-DNA position 1337, A replaced by G.
Protein change: p.Glu446Gly; replaces glutamic acid 446 with glycine.
Molecular consequence: missense variant.
Genome position (GRCh38, 1-based): chr2:47,799,320, A>G. VCF-style: chr2-47799320-A-G. GRCh37 (hg19) VCF-style: chr2-48026459-A-G.
Other names: c.947A>G, p.Glu316Gly (NM_001281492.2); c.431A>G, p.Glu144Gly (NM_001281493.2, NM_001281494.2, NM_001406811.1 and 6 more transcripts); c.1433A>G, p.Glu478Gly (NM_001406795.1, NM_001406802.1); c.1337A>G, p.Glu446Gly (NM_001406796.1, NM_001406798.1, NM_001406800.1 and 4 more transcripts); c.1040A>G, p.Glu347Gly (NM_001406797.1, NM_001406801.1, NM_001406805.1 and 10 more transcripts); c.812A>G, p.Glu271Gly (NM_001406799.1, NM_001406806.1, NM_001406807.1); c.1259A>G, p.Glu420Gly (NM_001406804.1); c.1343A>G, p.Glu448Gly (NM_001406813.1); and 1 more; short protein forms E144G, E316G, E347G, E420G, E446G, E448G, E478G, E271G.
Identifiers: ClinVar variation 1770261 (VCV001770261.4), dbSNP rs2104337296, ClinGen allele CA346744574.